The following is an entry in ClinVar:

NM_004655.4(AXIN2):c.1117G>C (p.Glu373Gln)

Gene: AXIN2 (axin 2; minus strand). Cytogenetic location: 17q24.1.
Variant type: single nucleotide variant.
Coding change: c.1117G>C on transcript NM_004655.4 (MANE Select); coding-DNA position 1117, G replaced by C.
Protein change: p.Glu373Gln; replaces glutamic acid 373 with glutamine.
Molecular consequence: missense variant.
Genome position (GRCh38, 1-based): chr17:65,538,286, C>G on the plus strand (G>C on the coding strand, the complement: AXIN2 is on the minus strand). VCF-style: chr17-65538286-C-G. GRCh37 (hg19) VCF-style: chr17-63534404-C-G.
Other names: c.1117G>C, p.Glu373Gln (NM_001363813.1); short protein forms E373Q.
Identifiers: ClinVar variation 5032654 (VCV005032654.1).

ClinVar aggregate classification (germline): Uncertain significance (1 of 4 stars; one submission).

Conditions:
Hereditary cancer-predisposing syndrome. Also called: Neoplastic Syndromes, Hereditary; Tumor predisposition; Hereditary neoplastic syndrome; Hereditary Cancer Syndrome. Identifiers: Orphanet 140162, MedGen C0027672, MeSH D009386, MONDO:0015356.

Submission:

Ambry Genetics
Classification: Uncertain significance for Hereditary cancer-predisposing syndrome. Last evaluated: 2026-07-07. Review status: criteria provided, single submitter. Criteria: Ambry Variant Classification Scheme 2023. Collection method: clinical testing. Allele origin: germline.
Comment: The p.E373Q variant (also known as c.1117G>C), located in coding exon 4 of the AXIN2 gene, results from a G to C substitution at nucleotide position 1117. The glutamic acid at codon 373 is replaced by glutamine, an amino acid with highly similar properties. This amino acid position is conserved. In addition, this alteration is predicted to be tolerated by in silico analysis. Based on the available evidence, the clinical significance of this variant remains unclear.